The following is an entry in ClinVar:

ClinVar aggregate classification (germline): Uncertain significance. Review status: criteria provided, multiple submitters, no conflicts (2 of 4 stars). 4 submissions from 4 submitters: Uncertain significance (4). Last evaluated 2025-11-10.

Conditions:
Bartter disease type 1. Also called: HYPERPROSTAGLANDIN E SYNDROME 1; HYPOKALEMIC ALKALOSIS WITH HYPERCALCIURIA 1, ANTENATAL; Bartter syndrome, type 1, antenatal; Bartter Syndrome type 1. Identifiers: Orphanet 112, Orphanet 620217, MedGen C1866495, MONDO:0100344, OMIM 601678, MONDO:0011127.

Allele frequency attached by ClinVar (database versions not stated): gnomAD exomes 0.00003 and 0.00013; gnomAD 0.00006 and 0.00010; ExAC 0.00009; TOPMed 0.00016; 1000 Genomes Project 30x 0.00078; 1000 Genomes Project 0.00100.
gnomAD v4.1: 70 of 1,613,272 alleles (0.0043%); highest among the groups gnomAD compares: East Asian, 0.12%; no homozygotes.

Submissions (4):

Labcorp Genetics (formerly Invitae), Labcorp
Classification: Uncertain significance. Last evaluated: 2025-11-10. Review status: criteria provided, single submitter. Criteria: Invitae Variant Classification Sherloc (09022015). Collection method: clinical testing. Allele origin: germline.
Comment: This sequence change replaces isoleucine, which is neutral and non-polar, with threonine, which is neutral and polar, at codon 812 of the SLC12A1 protein (p.Ile812Thr). This variant is present in population databases (rs201516084, gnomAD 0.2%). This variant has not been reported in the literature in individuals affected with SLC12A1-related conditions. ClinVar contains an entry for this variant (Variation ID: 316270). Invitae Evidence Modeling of protein sequence and biophysical properties (such as structural, functional, and spatial information, amino acid conservation, physicochemical variation, residue mobility, and thermodynamic stability) indicates that this missense variant is expected to disrupt SLC12A1 protein function with a positive predictive value of 80%. In summary, the available evidence is currently insufficient to determine the role of this variant in disease. Therefore, it has been classified as a Variant of Uncertain Significance.

GeneDx
Classification: Uncertain significance. Last evaluated: 2024-06-21. Review status: criteria provided, single submitter. Criteria: GeneDx Variant Classification Process June 2021. Collection method: clinical testing. Allele origin: germline. Affected: yes.
Comment: In silico analysis supports that this missense variant has a deleterious effect on protein structure/function; Has not been previously published as pathogenic or benign to our knowledge

Fulgent Genetics
Classification: Uncertain significance for Bartter disease type 1. Last evaluated: 2022-04-20. Review status: criteria provided, single submitter. Criteria: ACMG Guidelines, 2015. Collection method: clinical testing. Allele origin: unknown.

Illumina Laboratory Services, Illumina
Classification: Uncertain significance for Bartter disease type 1. Last evaluated: 2018-01-12. Review status: criteria provided, single submitter. Criteria: ICSL Variant Classification Criteria 13 December 2019. Collection method: clinical testing. Allele origin: germline.

NM_000338.3(SLC12A1):c.2435T>C (p.Ile812Thr)

Gene: SLC12A1 (solute carrier family 12 member 1; plus strand). Cytogenetic location: 15q21.1.
Variant type: single nucleotide variant.
Coding change: c.2435T>C on transcript NM_000338.3 (MANE Select); coding-DNA position 2435, T replaced by C.
Protein change: p.Ile812Thr; replaces isoleucine 812 with threonine.
Molecular consequence: missense variant.
Genome position (GRCh38, 1-based): chr15:48,274,603, T>C. VCF-style: chr15-48274603-T-C. GRCh37 (hg19) VCF-style: chr15-48566800-T-C.
Other names: c.2435T>C, p.Ile812Thr (NM_001184832.2); short protein forms I812T.
Identifiers: ClinVar variation 316270 (VCV000316270.9), dbSNP rs201516084, ClinGen allele CA7547400.
Genomic context (GRCh38, chr15:48,274,603, plus strand): 5'-ACGCTGACTGCTTTGCTTCCTCTTTCAGTGATGCATTTGATTTTGAGATTGGCGTGGTTA[T>C]AGTCAGAATCAGCCAAGGATTTGACATCTCTCAGGTTCTTCAGGTGCAAGGTATGTACTT-3'
Protein context (NP_000329.2, residues 802-822): DAFDFEIGVV[Ile812Thr]VRISQGFDIS